The following is an entry in ClinVar:

ClinVar aggregate classification (germline): Pathogenic (1 of 4 stars; one submission).

Conditions:
Aspartylglucosaminuria (AGU). Also called: Aspartylglucos-aminuria; Aspartylglucos-amidase (AGA) deficiency; GLYCOASPARAGINASE; GLYCOSYLASPARAGINASE DEFICIENCY; AGA DEFICIENCY. Identifiers: Orphanet 93, MedGen C0268225, MONDO:0008830, OMIM 208400, HP:0012068.

Submission:

Labcorp Genetics (formerly Invitae), Labcorp
Classification: Pathogenic for Aspartylglucosaminuria. Last evaluated: 2021-11-27. Review status: criteria provided, single submitter. Criteria: Invitae Variant Classification Sherloc (09022015). Collection method: clinical testing. Allele origin: germline.
Comment: This sequence change creates a premature translational stop signal (p.Lys4Serfs*17) in the AGA gene. It is expected to result in an absent or disrupted protein product. Loss-of-function variants in AGA are known to be pathogenic (PMID: 7627186, 11309371). This variant is not present in population databases (gnomAD no frequency). This variant has not been reported in the literature in individuals affected with AGA-related conditions. For these reasons, this variant has been classified as Pathogenic.

Literature cited by the submitters: PubMed 7627186; PubMed 11309371.

NM_000027.4(AGA):c.9del (p.Lys4fs)

Gene: AGA (aspartylglucosaminidase; minus strand). Cytogenetic location: 4q34.3.
Variant type: Deletion.
Coding change: c.9del on transcript NM_000027.4 (MANE Select); coding-DNA position 9, one base deleted (G; older notation c.9delG).
Protein change: p.Lys4fs; shifts the reading frame from lysine 4.
Molecular consequence: frameshift variant. On other transcripts: non-coding transcript variant (1).
Genome position (GRCh38, 1-based): chr4:177,442,367, C deleted on the plus strand (G on the coding strand, the reverse complement: AGA is on the minus strand); the first of 2 consecutive C bases (chr4:177,442,367-177,442,368); deleting either gives the same sequence. VCF-style (leftmost placement, unchanged base first): chr4-177442366-TC-T. GRCh37 (hg19) VCF-style: chr4-178363520-TC-T.
Other names: c.9del, p.Lys4fs (NM_001171988.2); short protein forms K4fs.
Identifiers: ClinVar variation 2008973 (VCV002008973.4), dbSNP rs2476887316, ClinGen allele CA2580071741.